The following is an entry in ClinVar:

NM_001048174.2(MUTYH):c.172C>A (p.Leu58Ile)

Gene: MUTYH (mutY DNA glycosylase; minus strand). Cytogenetic location: 1p34.1.
Variant type: single nucleotide variant.
Coding change: c.172C>A on transcript NM_001048174.2 (MANE Select); coding-DNA position 172, C replaced by A.
Protein change: p.Leu58Ile; replaces leucine 58 with isoleucine.
Molecular consequence: missense variant. On other transcripts: 5 prime UTR variant (1), non-coding transcript variant (5), intron variant (5).
Genome position (GRCh38, 1-based): chr1:45,333,505, G>T on the plus strand (C>A on the coding strand, the complement: MUTYH is on the minus strand). VCF-style: chr1-45333505-G-T. GRCh37 (hg19) VCF-style: chr1-45799177-G-T.
Other names: c.172C>A, p.Leu58Ile (NM_001048171.2, NM_001048173.2, NM_001293195.2 and 6 more transcripts); c.175C>A, p.Leu59Ile (NM_001048172.2, NM_001407071.1, NM_001407078.1 and 2 more transcripts); c.256C>A, p.Leu86Ile (NM_001128425.2); c.217C>A, p.Leu73Ile (NM_001293190.2); c.205C>A, p.Leu69Ile (NM_001293191.2, NM_001407077.1); c.-100C>A (NM_001350650.2); c.247C>A, p.Leu83Ile (NM_001407069.1, NM_012222.3); c.214C>A, p.Leu72Ile (NM_001407073.1, NM_001407083.1, NM_001407085.1); and 4 more; short protein forms L58I, L73I, L86I, L72I, L30I, L69I, L83I, L59I.
Identifiers: ClinVar variation 2747100 (VCV002747100.4), dbSNP rs781163298, ClinGen allele CA340136513.
Genomic context (GRCh38, chr1:45,333,505, plus strand): 5'-GGTCGTACCAGCTTAGCAGGCTCCCTCGGAAGGCTGTGACTTCAGCTACGTCTCTGAATA[G>T]ATGGTATGAGGAGACAGAGGCCTGCAATACCACCTCTTCCGGCTGCCTGGCCAGGCCTGC-3'
Protein context (NP_001041639.1, residues 48-68): VLQASVSSYH[Leu58Ile]FRDVAEVTAF

ClinVar aggregate classification (germline): Uncertain significance. Review status: criteria provided, multiple submitters, no conflicts (2 of 4 stars). 2 submissions from 2 submitters: Uncertain significance (2). Last evaluated 2025-08-27.

Conditions:
Hereditary cancer-predisposing syndrome. Also called: Hereditary Cancer Syndrome; Hereditary neoplastic syndrome; Neoplastic Syndromes, Hereditary; Tumor predisposition. Identifiers: Orphanet 140162, MedGen C0027672, MeSH D009386, MONDO:0015356.
Familial adenomatous polyposis 2. Also called: MUTYH-associated polyposis; Adenomas, multiple colorectal; COLORECTAL ADENOMATOUS POLYPOSIS, AUTOSOMAL RECESSIVE; ADENOMAS, MULTIPLE COLORECTAL, AUTOSOMAL RECESSIVE; MUTYH-related attenuated familial adenomatous polyposis; MYH-associated polyposis. Identifiers: Orphanet 220460, Orphanet 247798, MedGen C3272841, MONDO:0012041, OMIM 608456.

gnomAD v4.1: 1 of 1,614,216 alleles (0.000062%); highest among the groups gnomAD compares: Non-Finnish European, 0.000085%; no homozygotes.

Submissions (2):

Ambry Genetics
Classification: Uncertain significance for Hereditary cancer-predisposing syndrome. Last evaluated: 2025-08-27. Review status: criteria provided, single submitter. Criteria: Ambry Variant Classification Scheme 2023. Collection method: clinical testing. Allele origin: germline.
Comment: The p.L86I variant (also known as c.256C>A), located in coding exon 3 of the MUTYH gene, results from a C to A substitution at nucleotide position 256. The leucine at codon 86 is replaced by isoleucine, an amino acid with highly similar properties. This amino acid position is conserved. In addition, this alteration is predicted to be tolerated by in silico analysis. Based on the available evidence, the clinical significance of this variant remains unclear.

Labcorp Genetics (formerly Invitae), Labcorp
Classification: Uncertain significance for Familial adenomatous polyposis 2. Last evaluated: 2023-07-26. Review status: criteria provided, single submitter. Criteria: Invitae Variant Classification Sherloc (09022015). Collection method: clinical testing. Allele origin: germline.
Comment: This variant has not been reported in the literature in individuals affected with MUTYH-related conditions. In summary, the available evidence is currently insufficient to determine the role of this variant in disease. Therefore, it has been classified as a Variant of Uncertain Significance. An algorithm developed to predict the effect of missense changes on protein structure and function (PolyPhen-2) suggests that this variant is likely to be tolerated. This variant is not present in population databases (gnomAD no frequency). This sequence change replaces leucine, which is neutral and non-polar, with isoleucine, which is neutral and non-polar, at codon 86 of the MUTYH protein (p.Leu86Ile).